The following is an entry in ClinVar:

NM_015978.3(TNNI3K):c.2468A>T (p.His823Leu)

Genes: FPGT-TNNI3K (FPGT-TNNI3K readthrough; plus strand), TNNI3K (TNNI3 interacting kinase; plus strand). Cytogenetic location: 1p31.1.
Variant type: single nucleotide variant.
Coding change: c.2468A>T on transcript NM_015978.3 (MANE Select); coding-DNA position 2468, A replaced by T.
Protein change: p.His823Leu; replaces histidine 823 with leucine.
Molecular consequence: missense variant.
Genome position (GRCh38, 1-based): chr1:74,543,942, A>T. VCF-style: chr1-74543942-A-T. GRCh37 (hg19) VCF-style: chr1-75009626-A-T.
Other names: c.2771A>T, p.His924Leu (NM_001112808.3); short protein forms H924L, H823L.
Identifiers: ClinVar variation 2998797 (VCV002998797.3), dbSNP rs747237238, ClinGen allele CA909918.

ClinVar aggregate classification (germline): Uncertain significance (1 of 4 stars; one submission).

Allele frequency attached by ClinVar (database versions not stated): gnomAD 0.00001; ExAC 0.00002; TOPMed 0.00002.
gnomAD v4.1: 8 of 1,613,378 alleles (0.0005%); highest among the groups gnomAD compares: East Asian, 0.018%; no homozygotes.

Submission:

Labcorp Genetics (formerly Invitae), Labcorp
Classification: Uncertain significance. Last evaluated: 2023-01-26. Review status: criteria provided, single submitter. Criteria: Invitae Variant Classification Sherloc (09022015). Collection method: clinical testing. Allele origin: germline.
Comment: In summary, the available evidence is currently insufficient to determine the role of this variant in disease. Therefore, it has been classified as a Variant of Uncertain Significance. Algorithms developed to predict the effect of sequence changes on RNA splicing suggest that this variant may create or strengthen a splice site. Algorithms developed to predict the effect of missense changes on protein structure and function (SIFT, PolyPhen-2, Align-GVGD) all suggest that this variant is likely to be tolerated. This variant has not been reported in the literature in individuals affected with TNNI3K-related conditions. This variant is present in population databases (rs747237238, gnomAD 0.02%). This sequence change replaces histidine, which is basic and polar, with leucine, which is neutral and non-polar, at codon 823 of the TNNI3K protein (p.His823Leu).